The following is an entry in ClinVar:

ClinVar aggregate classification (germline): Uncertain significance (1 of 4 stars; one submission).

Conditions:
Cystic fibrosis (CF). Also called: MUCOVISCIDOSIS. Identifiers: Orphanet 586, MedGen C0010674, MONDO:0009061, OMIM 219700. Disease mechanism: loss of function.

Submission:

Ambry Genetics
Classification: Uncertain significance for Cystic fibrosis. Last evaluated: 2023-02-07. Review status: criteria provided, single submitter. Criteria: Ambry Variant Classification Scheme 2023. Collection method: clinical testing. Allele origin: germline.
Comment: The p.I1366V variant (also known as c.4096A>G), located in coding exon 25 of the CFTR gene, results from an A to G substitution at nucleotide position 4096. The isoleucine at codon 1366 is replaced by valine, an amino acid with highly similar properties. This amino acid position is highly conserved in available vertebrate species. In addition, this alteration is predicted to be deleterious by in silico analysis. Since supporting evidence is limited at this time, the clinical significance of this alteration remains unclear.

NM_000492.4(CFTR):c.4096A>G (p.Ile1366Val)

Gene: CFTR (CF transmembrane conductance regulator; plus strand). Cytogenetic location: 7q31.2.
Variant type: single nucleotide variant.
Coding change: c.4096A>G on transcript NM_000492.4 (MANE Select); coding-DNA position 4096, A replaced by G.
Protein change: p.Ile1366Val; replaces isoleucine 1366 with valine.
Molecular consequence: missense variant.
Genome position (GRCh38, 1-based): chr7:117,664,820, A>G. VCF-style: chr7-117664820-A-G. GRCh37 (hg19) VCF-style: chr7-117304874-A-G.
Other names: short protein forms I1366V.
Identifiers: ClinVar variation 2496644 (VCV002496644.2), dbSNP rs770345073, ClinGen allele CA368982817.
Genomic context (GRCh38, chr7:117,664,820, plus strand): 5'-CTAAGCCATGGCCACAAGCAGTTGATGTGCTTGGCTAGATCTGTTCTCAGTAAGGCGAAG[A>G]TCTTGCTGCTTGATGAACCCAGTGCTCATTTGGATCCAGTGTGAGTTTCAGATGTTCTGT-3'
Protein context (NP_000483.3, residues 1356-1376): LARSVLSKAK[Ile1366Val]LLLDEPSAHL